The following is an entry in ClinVar:

ClinVar aggregate classification (germline): Benign/Likely benign. Review status: criteria provided, multiple submitters, no conflicts (2 of 4 stars). 7 submissions from 7 submitters: Benign (2); Likely benign (3). 2 of the submissions do not count toward it. Last evaluated 2026-08-14.

Conditions:
SERPINI1-related disorder. Also called: SERPINI1-related condition.
Familial encephalopathy with neuroserpin inclusion bodies. Also called: ENCEPHALOPATHY, FAMILIAL, WITH COLLINS BODIES. Identifiers: Orphanet 85110, MedGen C1858680, MONDO:0011412, OMIM 604218.

Allele frequency attached by ClinVar (database versions not stated): TOPMed 0.00080; ExAC 0.00084; gnomAD exomes 0.00093 and 0.00142; ESP Exome Variant Server 0.00100; gnomAD 0.00106 and 0.00112.
gnomAD v4.1: 2,265 of 1,613,888 alleles (0.14%); highest among the groups gnomAD compares: Non-Finnish European, 0.17%; 7 homozygotes.

Submissions (7):

PreventionGenetics, part of Exact Sciences
Classification: Likely benign for SERPINI1-related condition. Last evaluated: 2026-08-14. Review status: criteria provided, single submitter. Criteria: ACMG Guidelines, 2015. Collection method: clinical testing. Allele origin: germline.
Comment: This variant is classified as likely benign based on ACMG/AMP sequence variant interpretation guidelines (Richards et al. 2015 PMID: 25741868, with internal and published modifications).

Labcorp Genetics (formerly Invitae), Labcorp
Classification: Benign for Familial encephalopathy with neuroserpin inclusion bodies. Last evaluated: 2026-01-28. Review status: criteria provided, single submitter. Criteria: Invitae Variant Classification Sherloc (09022015). Collection method: clinical testing. Allele origin: germline.

Blueprint Genetics
Classification: Likely benign. Last evaluated: 2024-11-18. Review status: criteria provided, single submitter. Criteria: ACMG Guidelines, 2015. Collection method: clinical testing. Allele origin: germline.

CeGaT Center for Human Genetics Tuebingen
Classification: Likely benign. Last evaluated: 2023-09-01. Review status: criteria provided, single submitter. Criteria: CeGaT Center For Human Genetics Tuebingen Variant Classification Criteria Version 2. Collection method: clinical testing. Allele origin: germline. Affected: yes. Observed: 1 variant allele.
Comment: SERPINI1: BP4, BP7

Illumina Laboratory Services, Illumina
Classification: Benign for Familial encephalopathy with neuroserpin inclusion bodies. Last evaluated: 2018-01-13. Review status: criteria provided, single submitter. Criteria: ICSL Variant Classification Criteria 13 December 2019. Collection method: clinical testing. Allele origin: germline.
Comment: This variant was observed in the ICSL laboratory as part of a predisposition screen in an ostensibly healthy population. It had not been previously curated by ICSL or reported in the Human Gene Mutation Database (HGMD: prior to June 1st, 2018), and was therefore a candidate for classification through an automated scoring system. Utilizing variant allele frequency, disease prevalence and penetrance estimates, and inheritance mode, an automated score was calculated to assess if this variant is too frequent to cause the disease. Based on the score and internal cut-off values, a variant classified as benign is not then subjected to further curation. The score for this variant resulted in a classification of benign for this disease.

Clinical Genetics DNA and cytogenetics Diagnostics Lab, Erasmus MC, Erasmus Medical Center
Classification: Likely benign. Review status: no assertion criteria provided. Collection method: clinical testing. Allele origin: germline. Affected: yes. Study: VKGL Data-share Consensus. Not counted in ClinVar's aggregate classification.

Genome Diagnostics Laboratory, Amsterdam University Medical Center
Classification: Likely benign. Review status: no assertion criteria provided. Collection method: clinical testing. Allele origin: germline. Affected: yes. Study: VKGL Data-share Consensus. Not counted in ClinVar's aggregate classification.

NM_001122752.2(SERPINI1):c.432T>C (p.Asn144=)

Gene: SERPINI1 (serpin family I member 1; plus strand). Cytogenetic location: 3q26.1.
Variant type: single nucleotide variant.
Coding change: c.432T>C on transcript NM_001122752.2 (MANE Select); coding-DNA position 432, T replaced by C.
Protein change: p.Asn144=; no amino-acid change (asparagine 144 retained).
Molecular consequence: synonymous variant.
Genome position (GRCh38, 1-based): chr3:167,790,553, T>C. VCF-style: chr3-167790553-T-C. GRCh37 (hg19) VCF-style: chr3-167508341-T-C.
Other names: c.432T>C, p.Asn144= (NM_005025.5).
Identifiers: ClinVar variation 344128 (VCV000344128.43), dbSNP rs140116256, ClinGen allele CA2694798.